The following is an entry in ClinVar:

NM_021625.5(TRPV4):c.1659-19G>A

Gene: TRPV4 (transient receptor potential cation channel subfamily V member 4; minus strand). Cytogenetic location: 12q24.11.
Variant type: single nucleotide variant.
Coding change: c.1659-19G>A on transcript NM_021625.5 (MANE Select); 19 bases into the intron before coding-DNA position 1659, G replaced by A.
Molecular consequence: intron variant.
Genome position (GRCh38, 1-based): chr12:109,792,836, C>T on the plus strand (G>A on the coding strand, the complement: TRPV4 is on the minus strand). VCF-style: chr12-109792836-C-T. GRCh37 (hg19) VCF-style: chr12-110230641-C-T.
Other names: c.1338-19G>A (NM_001177433.1); c.1518-19G>A (NM_001177428.1); c.1479-19G>A (NM_147204.2); c.1557-19G>A (NM_001177431.1).
Identifiers: ClinVar variation 3700158 (VCV003700158.2).
Genomic context (GRCh38, chr12:109,792,836, plus strand): 5'-TAGAGGGCTGCTGAGACGATCACCAGGACAGAGTAGATGAAGCTGCAGTGCAGCAGAGAC[C>T]ACAAGAGAGGCCAGAGGGGAGAGGGGACAATGAGGCTCTGGAGGGGAAGACACGCCTCCA-3'

ClinVar aggregate classification (germline): Uncertain significance (1 of 4 stars; one submission).

Conditions:
Charcot-Marie-Tooth disease axonal type 2C (HMSN2C). Also called: CHARCOT-MARIE-TOOTH DISEASE, AXONAL, AUTOSOMAL DOMINANT, TYPE 2C; Charcot-Marie-Tooth Neuropathy Type 2C; Charcot-Marie-Tooth Disease Type 2, TRPV4-Related (CMT2C). Identifiers: Orphanet 99937, MedGen C1853710, MONDO:0011633, OMIM 606071.

gnomAD v4.1: 1 of 1,612,998 alleles (0.000062%); highest among the groups gnomAD compares: African/African-American, 0.0013%; no homozygotes.

Submission:

Labcorp Genetics (formerly Invitae), Labcorp
Classification: Uncertain significance for Charcot-Marie-Tooth disease axonal type 2C. Last evaluated: 2025-07-16. Review status: criteria provided, single submitter. Criteria: Invitae Variant Classification Sherloc (09022015). Collection method: clinical testing. Allele origin: germline.
Comment: This sequence change falls in intron 10 of the TRPV4 gene. It does not directly change the encoded amino acid sequence of the TRPV4 protein. This variant is present in population databases (rs575313546, gnomAD 0.007%). This variant has not been reported in the literature in individuals affected with TRPV4-related conditions. ClinVar contains an entry for this variant (Variation ID: 3700158). Algorithms developed to predict the effect of sequence changes on RNA splicing suggest that this variant may disrupt the consensus splice site. In summary, the available evidence is currently insufficient to determine the role of this variant in disease. Therefore, it has been classified as a Variant of Uncertain Significance.